The following is an entry in ClinVar:

ClinVar aggregate classification (germline): Uncertain significance (1 of 4 stars; one submission).

gnomAD v4.1: 1 of 1,503,100 alleles (0.000067%); highest among the groups gnomAD compares: Non-Finnish European, 0.000088%; no homozygotes.

Submission:

Dasa
Classification: Uncertain significance. Last evaluated: 2025-07-24. Review status: criteria provided, single submitter. Criteria: DASA Assertion Criteria. Collection method: clinical testing. Allele origin: germline.
Comment: NM_000540.3(RYR1):c.13186C>A (p.Pro4396Thr) is a missense variant that results in the substitution of proline with threonine. This variant is rare in population databases. Computational prediction algorithms are consistent with a benign effect. The currently available literature and clinical evidence are not sufficient to establish a definitive association between this variant and the reported condition. Therefore, this variant is classified as a variant of uncertain significance.

NM_000540.3(RYR1):c.13186C>A (p.Pro4396Thr)

Gene: RYR1 (ryanodine receptor 1; plus strand). Cytogenetic location: 19q13.2.
Variant type: single nucleotide variant.
Coding change: c.13186C>A on transcript NM_000540.3 (MANE Select); coding-DNA position 13186, C replaced by A.
Protein change: p.Pro4396Thr; replaces proline 4396 with threonine.
Molecular consequence: missense variant.
Genome position (GRCh38, 1-based): chr19:38,565,520, C>A. VCF-style: chr19-38565520-C-A. GRCh37 (hg19) VCF-style: chr19-39056160-C-A.
Other names: c.13171C>A, p.Pro4391Thr (NM_001042723.2); short protein forms P4391T, P4396T.
Identifiers: ClinVar variation 4886095 (VCV004886095.2).